The following is an entry in ClinVar:

ClinVar aggregate classification (germline): Pathogenic. Review status: criteria provided, single submitter (1 of 4 stars). 2 submissions from 2 submitters: Pathogenic (1). 1 of the submissions does not count toward it. Last evaluated 2025-07-24.

Conditions:
Tuberous sclerosis syndrome (TSC). Also called: Tuberous Sclerosis Complex; Tuberous sclerosis. Identifiers: Orphanet 805, MedGen C0041341, MONDO:0001734.

Submissions (2):

GeneDx
Classification: Pathogenic. Last evaluated: 2025-07-24. Review status: criteria provided, single submitter. Criteria: GeneDx Variant Classification Process June 2021. Collection method: clinical testing. Allele origin: germline. Affected: yes.
Comment: Nonsense variant predicted to result in protein truncation or nonsense mediated decay in a gene for which loss of function is a known mechanism of disease; Not observed at significant frequency in large population cohorts (gnomAD); Has not been previously published as pathogenic or benign to our knowledge; This variant is associated with the following publications: (PMID: 25525159)

Tuberous sclerosis database (TSC2)
No classification provided. Condition: TSC. Review status: no classification provided. Criteria: Tuberous Sclerosis Database Assertion Criteria 2015. Collection method: curation. Allele origin: germline. Affected: yes. Not counted in ClinVar's aggregate classification.

NM_000548.5(TSC2):c.4276G>T (p.Glu1426Ter)

Gene: TSC2 (TSC complex subunit 2; plus strand). Cytogenetic location: 16p13.3.
Variant type: single nucleotide variant.
Coding change: c.4276G>T on transcript NM_000548.5 (MANE Select); coding-DNA position 4276, G replaced by T.
Protein change: p.Glu1426Ter; replaces glutamic acid 1426 with a stop codon.
Molecular consequence: nonsense.
Genome position (GRCh38, 1-based): chr16:2,084,498, G>T. VCF-style: chr16-2084498-G-T. GRCh37 (hg19) VCF-style: chr16-2134499-G-T.
Other names: c.4075G>T, p.Glu1359Ter (NM_001077183.3); c.4207G>T, p.Glu1403Ter (NM_001114382.3); c.3967G>T, p.Glu1323Ter (NM_001318827.2); c.3931G>T, p.Glu1311Ter (NM_001318829.2); c.3544G>T, p.Glu1182Ter (NM_001318831.2); c.4108G>T, p.Glu1370Ter (NM_001318832.2); c.4078G>T, p.Glu1360Ter (NM_001363528.2); c.4144G>T, p.Glu1382Ter (NM_001370404.1); and 1 more; short protein forms E1426*, E1360*, E1403*, E1311*, E1382*, E1383*, E1182*, E1323*.
Identifiers: ClinVar variation 49836 (VCV000049836.3), dbSNP rs45449094, ClinGen allele CA020176.